The following is an entry in ClinVar:

NM_006790.3(MYOT):c.*15T>C

Genes: MYOT (myotilin; plus strand), PKD2L2-DT (PKD2L2 divergent transcript; minus strand). Cytogenetic location: 5q31.2.
Variant type: single nucleotide variant.
Coding change: c.*15T>C on transcript NM_006790.3 (MANE Select); 15 bases downstream of the stop codon, T replaced by C.
Molecular consequence: 3 prime UTR variant.
Genome position (GRCh38, 1-based): chr5:137,887,400, T>C. VCF-style: chr5-137887400-T-C. GRCh37 (hg19) VCF-style: chr5-137223089-T-C.
Other names: c.*15T>C (NM_001135940.2, NM_001300911.2).
Identifiers: ClinVar variation 384164 (VCV000384164.1), dbSNP rs369164987, ClinGen allele CA3423216.

ClinVar aggregate classification (germline): Likely benign (1 of 4 stars; one submission).

Allele frequency attached by ClinVar (database versions not stated): gnomAD 0.00001 and 0.00003; gnomAD exomes 0.00002 and 0.00003; ExAC 0.00003; TOPMed 0.00004; ESP Exome Variant Server 0.00008.
gnomAD v4.1: 48 of 1,613,232 alleles (0.003%); highest among the groups gnomAD compares: Admixed American, 0.0067%; no homozygotes.

Submission:

GeneDx
Classification: Likely benign. Last evaluated: 2016-03-09. Review status: criteria provided, single submitter. Criteria: GeneDx Variant Classification (06012015). Collection method: clinical testing. Allele origin: germline. Affected: yes.
Comment: This variant is considered likely benign or benign based on one or more of the following criteria: it is a conservative change, it occurs at a poorly conserved position in the protein, it is predicted to be benign by multiple in silico algorithms, and/or has population frequency not consistent with disease.